The following is an entry in ClinVar:

ClinVar aggregate classification (germline): Uncertain significance (1 of 4 stars; one submission).

Allele frequency attached by ClinVar (database versions not stated): gnomAD exomes 0.00002 and 0.00005; gnomAD 0.00003; TOPMed 0.00003; ExAC 0.00015.
gnomAD v4.1: 39 of 1,551,378 alleles (0.0025%); highest among the groups gnomAD compares: South Asian, 0.015%; no homozygotes.

Submission:

Laboratory for Molecular Medicine, Mass General Brigham Personalized Medicine
Classification: Uncertain significance. Last evaluated: 2012-08-16. Review status: criteria provided, single submitter. Criteria: LMM Criteria. Collection method: clinical testing. Allele origin: germline. Observed: 1 variant allele.
Comment: Variant classified as Uncertain Significance - Favor Benign.

NM_033118.4(MYLK2):c.-13G>A

Gene: MYLK2 (myosin light chain kinase 2; plus strand). Cytogenetic location: 20q11.21.
Variant type: single nucleotide variant.
Coding change: c.-13G>A on transcript NM_033118.4 (MANE Select); 13 bases upstream of the start codon, G replaced by A.
Molecular consequence: 5 prime UTR variant.
Genome position (GRCh38, 1-based): chr20:31,819,568, G>A. VCF-style: chr20-31819568-G-A. GRCh37 (hg19) VCF-style: chr20-30407371-G-A.
Identifiers: ClinVar variation 46514 (VCV000046514.5), dbSNP rs397517470, ClinGen allele CA138500.